The following is an entry in ClinVar:

NM_021120.4(DLG3):c.158G>T (p.Gly53Val)

Gene: DLG3 (discs large MAGUK scaffold protein 3; plus strand). Cytogenetic location: Xq13.1.
Variant type: single nucleotide variant.
Coding change: c.158G>T on transcript NM_021120.4 (MANE Select); coding-DNA position 158, G replaced by T.
Protein change: p.Gly53Val; replaces glycine 53 with valine.
Molecular consequence: missense variant.
Genome position (GRCh38, 1-based): chrX:70,445,359, G>T. VCF-style: chrX-70445359-G-T. GRCh37 (hg19) VCF-style: chrX-69665209-G-T.
Other names: short protein forms G53V.
Identifiers: ClinVar variation 5003000 (VCV005003000.1).

ClinVar aggregate classification (germline): Uncertain significance (1 of 4 stars; one submission).

gnomAD v4.1: 2 of 1,174,180 alleles (0.00017%); highest among the groups gnomAD compares: Non-Finnish European, 0.00023%; no homozygotes.

Submission:

OLLIN Analises Genomicas, OLLIN
Classification: Uncertain significance. Last evaluated: 2026-08-06. Review status: criteria provided, single submitter. Criteria: ACMG Guidelines 2015 PMID 25741868. Collection method: clinical testing. Allele origin: germline.
Comment: This missense variant, located in exon 1 (of 19), has been observed in gnomAD with an allele frequency of 0.000062%, but has not been reported in ClinVar or identified in the literature. In silico analysis is inconclusive regarding the impact of this variant. According to the currently available evidence, this variant has been classified as uncertain significance (PM2_P).